The following is an entry in ClinVar:

ClinVar aggregate classification (germline): Conflicting classifications of pathogenicity. Review status: criteria provided, conflicting classifications (1 of 4 stars). 12 submissions from 12 submitters: Uncertain significance (6); Likely benign (4). 2 of the submissions do not count toward it. Last evaluated 2026-01-27.

Conditions:
CFTR-related disorder (CFTR-RD). Also called: CFTR-related disorders; CFTR-related condition. Identifiers: MedGen C5924204, MONDO:7770004.
Cystic fibrosis (CF). Also called: MUCOVISCIDOSIS. Identifiers: Orphanet 586, MedGen C0010674, MONDO:0009061, OMIM 219700. Disease mechanism: loss of function.

Allele frequency attached by ClinVar (database versions not stated): gnomAD 0.00026 and 0.00034; TOPMed 0.00047; 1000 Genomes Project 30x 0.00172; gnomAD exomes 0.00071 and 0.00017; ExAC 0.00061; 1000 Genomes Project 0.00160.
gnomAD v4.1: 316 of 1,613,832 alleles (0.02%); highest among the groups gnomAD compares: East Asian, 0.6%; 2 homozygotes.

Submissions (12):

Labcorp Genetics (formerly Invitae), Labcorp
Classification: Likely benign for Cystic fibrosis. Last evaluated: 2026-01-27. Review status: criteria provided, single submitter. Criteria: Invitae Variant Classification Sherloc (09022015). Collection method: clinical testing. Allele origin: germline.

Women's Health and Genetics/Laboratory Corporation of America, LabCorp
Classification: Likely benign. Last evaluated: 2025-04-18. Review status: criteria provided, single submitter. Criteria: LabCorp Variant Classification Summary - May 2015. Collection method: clinical testing. Allele origin: germline.
Comment: Variant summary: CFTR c.374T>C (p.Ile125Thr) results in a non-conservative amino acid change located in the ABC transporter type 1, transmembrane domain (IPR011527) of the encoded protein sequence. Three of five in-silico tools predict a damaging effect of the variant on protein function. The variant allele was found at a frequency of 0.00074 in 252614 control chromosomes, predominantly at a frequency of 0.0094 within the East Asian subpopulation in the gnomAD database, including 1 homozygote. This frequency is not significantly higher than expected for a pathogenic variant in CFTR causing Cystic Fibrosis, allowing no conclusion about variant significance. c.374T>C has been reported in the literature in sequencing studies of healthy controls and individuals affected with Cystic Fibrosis, pancreatitis of idiopathic, chronic, acute and autoimmume etiologies, and as a VUS reported in settings of carrier screening (example, Kilinc_2002, Chang_2007, Kim_2010, Ngiam_2006, Jang_2013, Nakano_2015, Chang_2015, Lee_2003, DeWachter_2017, Archibald_2017, Xiao_2017, Guan_2018, Schrijver_2016). These report(s) do not provide unequivocal conclusions about association of the variant with Cystic Fibrosis. At least one publication reports experimental evidence evaluating an impact on protein function. The most pronounced variant effect resulted in approximately 56.3 % of normal chloride channel conductance relative to wild type (e.g., Bihler_2024). The following publications have been ascertained in the context of this evaluation (PMID: 29261177, 25869325, 17539902, 28830496, 29997923, 23514810, 12439892, 20879059, 12952861, 28348582, 25492507, 16678503, 27324553, 25735457, 26708955, 26437683, 29173301, 38388235). ClinVar contains an entry for this variant (Variation ID: 53802). Based on the evidence outlined above, the variant was classified as likely benign.

Mayo Clinic Laboratories, Mayo Clinic
Classification: Uncertain significance. Last evaluated: 2025-02-27. Review status: criteria provided, single submitter. Criteria: ACMG Guidelines, 2015. Collection method: clinical testing. Allele origin: germline. Observed: 3 variant alleles.
Comment: BS1, BS2, PP3

ARUP Laboratories, Molecular Genetics and Genomics, ARUP Laboratories
Classification: Uncertain significance. Last evaluated: 2024-11-14. Review status: criteria provided, single submitter. Criteria: ARUP Molecular Germline Variant Investigation Process 2024. Collection method: clinical testing. Allele origin: germline.
Comment: The CFTR c.374T>C; p.Ile125Thr variant (rs141723617, ClinVar variation ID: 53802) is reported in the literature in the heterozygous state in individuals affected with cystic fibrosis or CFTR-related disorders such as bronchiectasis and pancreatitis, but its clinical significance was not determined (Chang 2007, Kilinc 2002, Lee 2003, Nakano 2015, Ngiam 2006, Zhang 2022). The p.Ile125Thr variant has also been reported in trans and in cis to pathogenic variants in an individual with pancreatic sufficient cystic fibrosis (Shen 2022). Additionally, this variant has been seen in trans to p.Phe508del in an individual with cystic fibrosis (Shen 2022). This variant is found in the East Asian population with an allele frequency of 0.96% (192/19944 alleles, including a single homozygote) in the Genome Aggregation Database (v2.1.1). Computational analyses are uncertain whether this variant is neutral or deleterious (REVEL: 0.668). Due to conflicting information and lack of functional data, the significance of the p.Ile125Thr variant is uncertain at this time. References: Chang M et al. Spectrum of mutations and variants/haplotypes of CFTR and genotype-phenotype correlation in idiopathic chronic pancreatitis and controls in Chinese by complete analysis. Clin Genet. 2007; 71(6):530-9. PMID: 17539902. Kilinc MO et al. Highest heterogeneity for cystic fibrosis: 36 mutations account for 75% of all CF chromosomes in Turkish patients. Am J Med Genet. 2002 Dec 1;113(3):250-7. PMID: 12439892. Lee K et al. Mutation analysis of SPINK1 and CFTR gene in Korean patients with alcoholic chronic pancreatitis. Dig Dis Sci. 2005; 50(10):1852-6. PMID: 16187186. Nakano E et al. Targeted next-generation sequencing effectively analyzed the cystic fibrosis transmembrane conductance regulator gene in pancreatitis. Dig Dis Sci. 2015; 60(5):1297-307. PMID: 25492507. Ngiam N et al. Cystic fibrosis transmembrane conductance regulator (CFTR) gene mutations in Asians with chronic pulmonary disease: a pilot study. J Cyst Fibros. 2006; 5(3):159-64. PMID: 16678503. Shen Y et al. Genetic spectrum of Chinese children with cystic fibrosis: comprehensive data analysis from the main referral centre in China. J Med Genet. 2022 Jul 20;60(3):310â€“5. PMID: 35858753. Zhang N et al. Clinical and gene mutation features of cystic fibrosis: an analysis of 8 cases]. Zhongguo Dang Dai Er Ke Za Zhi. 2022 Jul 15;24(7):771-777. Chinese. PMID: 35894192.

Quest Diagnostics Nichols Institute San Juan Capistrano
Classification: Uncertain significance. Last evaluated: 2023-07-25. Review status: criteria provided, single submitter. Criteria: Quest Diagnostics criteria. Collection method: clinical testing. Allele origin: unknown.
Comment: The CFTR c.374T>C (p.Ile125Thr) variant has been reported in the published literature in individuals with cystic fibrosis ((PMID: 12439892 (2002), 26437683 (2015)), pancreatitis (PMID: 12952861 (2003), 25492507 (2015), 25869325 (2015), 29173301 (2017)), bronchiectasis (PMID: 12952861 (2003), 16678503 (2006), 29997923 (2018)) as well as in healthy individuals (PMID: 12952861 (2003), 16678503 (2006), 16778407 (2006), 29997923 (2018)). The frequency of this variant in the general population, 0.011 (155/14424 chromosomes (Genome Aggregation Database)), is uninformative in the assessment of its pathogenicity. Analysis of this variant using bioinformatics tools for the prediction of the effect of amino acid changes on protein structure and function yielded predictions that this variant is damaging. Based on the available information, we are unable to determine the clinical significance of this variant.

Revvity Omics, Revvity
Classification: Uncertain significance. Last evaluated: 2022-01-29. Review status: criteria provided, single submitter. Criteria: ACMG Guidelines, 2015. Collection method: clinical testing. Allele origin: germline.

Genome-Nilou Lab
Classification: Uncertain significance for Cystic fibrosis. Last evaluated: 2021-07-22. Review status: criteria provided, single submitter. Criteria: ACMG Guidelines, 2015. Collection method: clinical testing. Allele origin: germline. Affected: no.

Ambry Genetics
Classification: Likely benign for Cystic fibrosis. Last evaluated: 2018-04-18. Review status: criteria provided, single submitter. Criteria: Ambry Variant Classification Scheme 2023. Collection method: clinical testing. Allele origin: germline.

Illumina Laboratory Services, Illumina
Classification: Uncertain significance for CFTR-Related Disorders. Last evaluated: 2017-04-27. Review status: criteria provided, single submitter. Criteria: ICSL Variant Classification Criteria 13 December 2019. Collection method: clinical testing. Allele origin: germline.

Eurofins Ntd Llc (ga)
Classification: Likely benign. Last evaluated: 2017-03-13. Review status: criteria provided, single submitter. Criteria: EGL Classification Definitions 2015. Collection method: clinical testing. Allele origin: germline. Observed: 1 variant allele, 1 heterozygote.

Natera, Inc.
Classification: Benign for Cystic Fibrosis. Last evaluated: 2020-04-16. Review status: no assertion criteria provided. Collection method: clinical testing. Allele origin: germline. Not counted in ClinVar's aggregate classification.

PreventionGenetics, part of Exact Sciences
Classification: Likely benign for CFTR-related condition. Last evaluated: 2019-06-17. Review status: no assertion criteria provided. Collection method: clinical testing. Allele origin: germline. Not counted in ClinVar's aggregate classification.
Comment: This variant is classified as likely benign based on ACMG/AMP sequence variant interpretation guidelines (Richards et al. 2015 PMID: 25741868, with internal and published modifications).

Literature cited by the submitters: PubMed 12952861 (cited by 4 submitters); PubMed 17539902 (cited by 4 submitters); PubMed 16678503 (cited by 4 submitters); PubMed 12439892 (cited by 4 submitters); PubMed 20879059 (cited by 3 submitters); PubMed 23514810 (cited by 3 submitters); PubMed 25735457 (cited by Women's Health and Genetics/Laboratory Corporation of America, LabCorp); PubMed 25869325 (cited by 3 submitters); PubMed 25492507 (cited by 4 submitters); PubMed 26708955 (cited by Women's Health and Genetics/Laboratory Corporation of America, LabCorp); PubMed 26437683 (cited by 3 submitters); PubMed 28830496 (cited by 4 submitters); PubMed 29173301 (cited by 3 submitters); PubMed 29997923 (cited by 3 submitters); PubMed 29261177 (cited by 3 submitters); PubMed 28348582 (cited by Women's Health and Genetics/Laboratory Corporation of America, LabCorp and Mayo Clinic Laboratories, Mayo Clinic); PubMed 27324553 (cited by Women's Health and Genetics/Laboratory Corporation of America, LabCorp); PubMed 38388235 (cited by Women's Health and Genetics/Laboratory Corporation of America, LabCorp and Mayo Clinic Laboratories, Mayo Clinic); PubMed 22324837 (cited by Mayo Clinic Laboratories, Mayo Clinic); PubMed 22664493 (cited by Mayo Clinic Laboratories, Mayo Clinic); PubMed 23017645 (cited by Mayo Clinic Laboratories, Mayo Clinic); PubMed 32508047 (cited by Mayo Clinic Laboratories, Mayo Clinic); PubMed 32777524 (cited by Mayo Clinic Laboratories, Mayo Clinic); PubMed 33572515 (cited by Mayo Clinic Laboratories, Mayo Clinic); PubMed 34426522 (cited by Mayo Clinic Laboratories, Mayo Clinic); PubMed 34673937 (cited by Mayo Clinic Laboratories, Mayo Clinic); PubMed 35313924 (cited by Mayo Clinic Laboratories, Mayo Clinic); PubMed 35894192 (cited by Mayo Clinic Laboratories, Mayo Clinic); PubMed 35913788 (cited by Mayo Clinic Laboratories, Mayo Clinic); PubMed 36409994 (cited by Mayo Clinic Laboratories, Mayo Clinic); PubMed 36437957 (cited by Mayo Clinic Laboratories, Mayo Clinic); PubMed 36599151 (cited by Mayo Clinic Laboratories, Mayo Clinic); PubMed 38590877 (cited by Mayo Clinic Laboratories, Mayo Clinic); PubMed 38978874 (cited by Mayo Clinic Laboratories, Mayo Clinic); PubMed 16778407 (cited by Quest Diagnostics Nichols Institute San Juan Capistrano and Ambry Genetics).

NM_000492.4(CFTR):c.374T>C (p.Ile125Thr)

Gene: CFTR (CF transmembrane conductance regulator; plus strand). Cytogenetic location: 7q31.2.
Variant type: single nucleotide variant.
Coding change: c.374T>C on transcript NM_000492.4 (MANE Select); coding-DNA position 374, T replaced by C.
Protein change: p.Ile125Thr; replaces isoleucine 125 with threonine.
Molecular consequence: missense variant.
Genome position (GRCh38, 1-based): chr7:117,530,999, T>C. VCF-style: chr7-117530999-T-C. GRCh37 (hg19) VCF-style: chr7-117171053-T-C.
Other names: short protein forms I125T.
Identifiers: ClinVar variation 53802 (VCV000053802.47), dbSNP rs141723617, ClinGen allele CA327274.